The following is an entry in ClinVar:

ClinVar aggregate classification (germline): Uncertain significance. Review status: criteria provided, multiple submitters, no conflicts (2 of 4 stars). 2 submissions from 2 submitters: Uncertain significance (2). Last evaluated 2024-06-03.

Conditions:
Ataxia-telangiectasia syndrome (AT). Also called: Ataxia telangiectasia (A-T); ATAXIA-TELANGIECTASIA, COMPLEMENTATION GROUP A; ATAXIA-TELANGIECTASIA, FRESNO VARIANT; Ataxia-telangiectasia; Ataxia-telangiectasia, complementation group E; LOUIS-BAR SYNDROME. Identifiers: Orphanet 100, MedGen C0004135, MONDO:0008840, OMIM 208900.
Hereditary cancer-predisposing syndrome. Also called: Neoplastic Syndromes, Hereditary; Tumor predisposition; Hereditary Cancer Syndrome; Hereditary neoplastic syndrome. Identifiers: Orphanet 140162, MedGen C0027672, MeSH D009386, MONDO:0015356.

Allele frequency attached by ClinVar (database versions not stated): gnomAD 0.00001.
gnomAD v4.1: 1 of 1,611,208 alleles (0.000062%); highest among the groups gnomAD compares: East Asian, 0.0022%; no homozygotes.

Submissions (2):

Ambry Genetics
Classification: Uncertain significance for Hereditary cancer-predisposing syndrome. Last evaluated: 2024-06-03. Review status: criteria provided, single submitter. Criteria: Ambry Variant Classification Scheme 2023. Collection method: clinical testing. Allele origin: germline.
Comment: The c.7927+4T>C intronic variant results from a T to C substitution 4 nucleotides after coding exon 52 in the ATM gene. This nucleotide position is not well conserved in available vertebrate species. In silico splice site analysis predicts that this alteration will not have any significant effect on splicing; however, direct evidence is insufficient at this time (Ambry internal data). Since supporting evidence is limited at this time, the clinical significance of this alteration remains unclear.

Labcorp Genetics (formerly Invitae), Labcorp
Classification: Uncertain significance for Ataxia-telangiectasia syndrome. Last evaluated: 2022-08-31. Review status: criteria provided, single submitter. Criteria: Invitae Variant Classification Sherloc (09022015). Collection method: clinical testing. Allele origin: germline.
Comment: This sequence change falls in intron 53 of the ATM gene. It does not directly change the encoded amino acid sequence of the ATM protein. It affects a nucleotide within the consensus splice site. This variant is present in population databases (no rsID available, gnomAD 0.06%). This variant has not been reported in the literature in individuals affected with ATM-related conditions. ClinVar contains an entry for this variant (Variation ID: 1059158). Variants that disrupt the consensus splice site are a relatively common cause of aberrant splicing (PMID: 17576681, 9536098). Algorithms developed to predict the effect of sequence changes on RNA splicing suggest that this variant is not likely to affect RNA splicing. In summary, the available evidence is currently insufficient to determine the role of this variant in disease. Therefore, it has been classified as a Variant of Uncertain Significance.

Literature cited by the submitters: PubMed 17576681 (cited by Labcorp Genetics (formerly Invitae), Labcorp); PubMed 9536098 (cited by Labcorp Genetics (formerly Invitae), Labcorp).

NM_000051.4(ATM):c.7927+4T>C

Genes: ATM (ATM serine/threonine kinase; plus strand), C11orf65 (chromosome 11 open reading frame 65; minus strand). Cytogenetic location: 11q22.3.
Variant type: single nucleotide variant.
Coding change: c.7927+4T>C on transcript NM_000051.4 (MANE Select); 4 bases into the intron after coding-DNA position 7927, T replaced by C.
Molecular consequence: intron variant.
Genome position (GRCh38, 1-based): chr11:108,332,904, T>C. VCF-style: chr11-108332904-T-C. GRCh37 (hg19) VCF-style: chr11-108203631-T-C.
Other names: c.7927+4T>C (NM_001351834.2); c.641-23833A>G (NM_001330368.2); c.*38+2316A>G (NM_001351110.2).
Identifiers: ClinVar variation 1059158 (VCV001059158.6), dbSNP rs1335862267, ClinGen allele CA601727127.